The following is an entry in ClinVar:

NM_006446.5(SLCO1B1):c.-61-1113_84+4111dup

Gene: SLCO1B1 (solute carrier organic anion transporter family member 1B1; plus strand). Cytogenetic location: 12p12.1.
Variant type: Duplication.
Coding change: c.-61-1113_84+4111dup on transcript NM_006446.5 (MANE Select); 1113 bases into the intron before 61 bases upstream of the start codon through 4111 bases into the intron after coding-DNA position 84, 5,369 bases duplicated.
Molecular consequence: splice acceptor variant, splice donor variant, initiator codon variant.
Genome position (GRCh38, 1-based): chr12:21,140,401-21,145,769, 5,369 bases duplicated. GRCh37 (hg19): chr12:21,293,335-21,298,703.
Identifiers: ClinVar variation 157243 (VCV000157243.3).

ClinVar aggregate classification (germline): not provided (0 of 4 stars; one submission).

Conditions:
Gestational diabetes mellitus uncontrolled. Identifiers: MedGen C3532257.

Submission:

Institute of Molecular and Cell Biology, University of Tartu
No classification provided. Condition: Gestational diabetes mellitus uncontrolled. Review status: no classification provided. Collection method: case-control. Allele origin: unknown. Affected: yes. Study: Kasak2014.
Comment: The study aimed to determine the contribution of copy number variants in the genetic etiology of normal and complicated pregnancies. The samples represented (i) maternal blood DNA drawn from healthy pregnant women during 1st or 2nd trimester and (ii) maternal and paternal blood DNA drawn at term pregnancy cases representing normal and complicated gestations (severe preeclampsia, PE; gestational diabetes, GD; small-for-gestational age newborn, SGA; large-for-gestational age newborn, LGA). We performed CNV calling based on genome-wide genotyping dataset (Illumina HumanOmniExpress-24-v1 BeadChip) by applying three algorithms, QuantiSNP, GADA (Genome Alteration Detection Algorithm) and CNstream in parallel. The acquired CNV calls were merged with HD-CNV (Hotspot Detector for Copy Number Variants) program and only the CNVs predicted by at least two programs, were considered in subsequent analysis.

Literature cited by the submitters: PubMed 25666259.